The following is an entry in ClinVar:

NM_000038.5:c.-18_8532del

Gene: APC (APC regulator of WNT signaling pathway; plus strand).
Variant type: Deletion.
Identifiers: ClinVar variation 1809526 (VCV001809526.1).

ClinVar aggregate classification (germline): Pathogenic (1 of 4 stars; one submission).

Submission:

Quest Diagnostics Nichols Institute San Juan Capistrano
Classification: Pathogenic. Last evaluated: 2021-07-23. Review status: criteria provided, single submitter. Criteria: Quest Diagnostics criteria. Collection method: clinical testing. Allele origin: unknown.
Comment: Similar deletions of the APC gene have been reported in individuals with FAP or APC-related conditions in the published literature (PMIDs: 21643010 (2011), 18487285 (2008), and 20223039 (2005)). The variant is found in at least one symptomatic patient, and not found in general population data. Therefore, the variant is classified as pathogenic.

Literature cited by the submitters: PubMed 10494086; PubMed 22884971; PubMed 18487285; PubMed 19279422; PubMed 21643010; PubMed 11867715; PubMed 20223039.